The following is an entry in ClinVar:

ClinVar aggregate classification (germline): Uncertain significance. Review status: criteria provided, multiple submitters, no conflicts (2 of 4 stars). 2 submissions from 2 submitters: Uncertain significance (2). Last evaluated 2025-04-11.

Conditions:
Inborn genetic diseases. Identifiers: MedGen C0950123, MeSH D030342.
Combined immunodeficiency due to LRBA deficiency. Also called: Common variable immunodeficiency 8, with autoimmunity. Identifiers: Orphanet 445018, MedGen C3553512, MONDO:0013863, OMIM 614700.

Allele frequency attached by ClinVar (database versions not stated): gnomAD exomes below 0.00001; TOPMed below 0.00001; ExAC 0.00001.
gnomAD v4.1: 1 of 1,613,628 alleles (0.000062%); highest among the groups gnomAD compares: Admixed American, 0.0017%; no homozygotes.

Submissions (2):

Ambry Genetics
Classification: Uncertain significance for Inborn genetic diseases. Last evaluated: 2025-04-11. Review status: criteria provided, single submitter. Criteria: Ambry Variant Classification Scheme 2023. Collection method: clinical testing. Allele origin: germline.

Labcorp Genetics (formerly Invitae), Labcorp
Classification: Uncertain significance for Combined immunodeficiency due to LRBA deficiency. Last evaluated: 2023-08-22. Review status: criteria provided, single submitter. Criteria: Invitae Variant Classification Sherloc (09022015). Collection method: clinical testing. Allele origin: germline.
Comment: This sequence change replaces glutamic acid, which is acidic and polar, with aspartic acid, which is acidic and polar, at codon 1103 of the LRBA protein (p.Glu1103Asp). This variant is present in population databases (rs754899556, gnomAD 0.003%). This variant has not been reported in the literature in individuals affected with LRBA-related conditions. ClinVar contains an entry for this variant (Variation ID: 1396374). An algorithm developed to predict the effect of missense changes on protein structure and function (PolyPhen-2) suggests that this variant¬†is likely to be tolerated. In summary, the available evidence is currently insufficient to determine the role of this variant in disease. Therefore, it has been classified as a Variant of Uncertain Significance.

NM_001364905.1(LRBA):c.3309G>C (p.Glu1103Asp)

Gene: LRBA (LPS responsive beige-like anchor protein; minus strand). Cytogenetic location: 4q31.3.
Variant type: single nucleotide variant.
Coding change: c.3309G>C on transcript NM_001364905.1 (MANE Select); coding-DNA position 3309, G replaced by C.
Protein change: p.Glu1103Asp; replaces glutamic acid 1103 with aspartic acid.
Molecular consequence: missense variant.
Genome position (GRCh38, 1-based): chr4:150,852,401, C>G on the plus strand (G>C on the coding strand, the complement: LRBA is on the minus strand). VCF-style: chr4-150852401-C-G. GRCh37 (hg19) VCF-style: chr4-151773553-C-G.
Other names: c.3309G>C, p.Glu1103Asp (NM_001199282.3, NM_001367550.1, NM_006726.5); short protein forms E1103D.
Identifiers: ClinVar variation 1396374 (VCV001396374.5), dbSNP rs754899556, ClinGen allele CA3103066.